The following is an entry in ClinVar:

NM_001267550.2(TTN):c.86058T>G (p.Tyr28686Ter)

Genes: TTN (titin; minus strand), TTN-AS1 (TTN antisense RNA 1; plus strand). Cytogenetic location: 2q31.2.
Variant type: single nucleotide variant.
Coding change: c.86058T>G on transcript NM_001267550.2 (MANE Select); coding-DNA position 86058, T replaced by G.
Protein change: p.Tyr28686Ter; replaces tyrosine 28686 with a stop codon.
Molecular consequence: nonsense.
Genome position (GRCh38, 1-based): chr2:178,560,074, A>C on the plus strand (T>G on the coding strand, the complement: TTN is on the minus strand). VCF-style: chr2-178560074-A-C. GRCh37 (hg19) VCF-style: chr2-179424801-A-C.
Other names: c.81135T>G, p.Tyr27045Ter (NM_001256850.1); c.58863T>G, p.Tyr19621Ter (NM_003319.4); c.78354T>G, p.Tyr26118Ter (NM_133378.4); c.59238T>G, p.Tyr19746Ter (NM_133432.3); c.59439T>G, p.Tyr19813Ter (NM_133437.4); short protein forms Y27045*, Y26118*, Y28686*, Y19621*, Y19746*, Y19813*.
Identifiers: ClinVar variation 4615387 (VCV004615387.1).

ClinVar aggregate classification (germline): Likely pathogenic (1 of 4 stars; one submission).

Conditions:
Cardiovascular phenotype. Identifiers: MedGen CN230736.

Submission:

Ambry Genetics
Classification: Likely pathogenic for Cardiovascular phenotype. Last evaluated: 2025-12-02. Review status: criteria provided, single submitter. Criteria: Ambry Variant Classification Scheme 2023. Collection method: clinical testing. Allele origin: germline.
Comment: The c.58863T>G (p.Y19621*) alteration, located in exon 154 (coding exon 153) of the TTN gene, consists of a T to G substitution at nucleotide position 58863. This changes the amino acid from a tyrosine (Y) to a stop codon at amino acid position 19621. This variant is expected to result in loss of function by premature protein truncation or nonsense-mediated mRNA decay. This variant was not reported in population-based cohorts in the Genome Aggregation Database (gnomAD). This exon is located in the A-band region of the N2-B isoform of the titin protein and is constitutively expressed in TTN transcripts (percent spliced in or PSI 100%). While truncating variants in TTN are present in 1-3% of the general population, truncating variants in the A-band are the most common cause of dilated cardiomyopathy (Herman, 2012; Roberts, 2015). TTN truncating variants encoded in constitutive exons (PSI >90%) have been found to be significantly associated with DCM regardless of their position in titin (Schafer, 2017; Akhtar, 2020; Massier, 2025). Based on the available evidence, this alteration is classified as likely pathogenic.

Literature cited by the submitters: PubMed 22335739; PubMed 25589632; PubMed 27869827; PubMed 32964742; PubMed 39844436.